The following is an entry in ClinVar:

NM_004444.5(EPHB4):c.655G>A (p.Val219Met)

Gene: EPHB4 (EPH receptor B4; minus strand). Cytogenetic location: 7q22.1.
Variant type: single nucleotide variant.
Coding change: c.655G>A on transcript NM_004444.5 (MANE Select); coding-DNA position 655, G replaced by A.
Protein change: p.Val219Met; replaces valine 219 with methionine.
Molecular consequence: missense variant.
Genome position (GRCh38, 1-based): chr7:100,822,424, C>T on the plus strand (G>A on the coding strand, the complement: EPHB4 is on the minus strand). VCF-style: chr7-100822424-C-T. GRCh37 (hg19) VCF-style: chr7-100420046-C-T.
Other names: short protein forms V219M.
Identifiers: ClinVar variation 1754190 (VCV001754190.3), dbSNP rs761954921, ClinGen allele CA4393241.

ClinVar aggregate classification (germline): Uncertain significance (1 of 4 stars; one submission).

Conditions:
Cardiovascular phenotype. Identifiers: MedGen CN230736.

Allele frequency attached by ClinVar (database versions not stated): TOPMed below 0.00001; gnomAD 0.00001; gnomAD exomes 0.00001; ExAC 0.00002.
gnomAD v4.1: 14 of 1,597,160 alleles (0.00088%); highest among the groups gnomAD compares: African/African-American, 0.0054%; no homozygotes.

Submission:

Ambry Genetics
Classification: Uncertain significance for Cardiovascular phenotype. Last evaluated: 2025-02-23. Review status: criteria provided, single submitter. Criteria: Ambry Variant Classification Scheme 2023. Collection method: clinical testing. Allele origin: germline.
Comment: The p.V219M variant (also known as c.655G>A), located in coding exon 4 of the EPHB4 gene, results from a G to A substitution at nucleotide position 655. The valine at codon 219 is replaced by methionine, an amino acid with highly similar properties. This amino acid position is conserved. In addition, the in silico prediction for this alteration is inconclusive. Since supporting evidence is limited at this time, the clinical significance of this alteration remains unclear.